The following is an entry in ClinVar:

NM_001386393.1(PANK2):c.258C>G (p.Val86=)

Genes: PANK2 (pantothenate kinase 2; plus strand), LOC130065345 (ATAC-STARR-seq lymphoblastoid silent region 12635; plus strand). Cytogenetic location: 20p13.
Variant type: single nucleotide variant.
Coding change: c.258C>G on transcript NM_001386393.1 (MANE Select); coding-DNA position 258, C replaced by G.
Protein change: p.Val86=; no amino-acid change (valine 86 retained).
Molecular consequence: synonymous variant. On other transcripts: 5 prime UTR variant (1), non-coding transcript variant (1), intron variant (1).
Genome position (GRCh38, 1-based): chr20:3,889,688, C>G. VCF-style: chr20-3889688-C-G. GRCh37 (hg19) VCF-style: chr20-3870335-C-G.
Other names: c.-454C>G (NM_001324191.2); c.588C>G, p.Val196= (NM_001324192.1, NM_153638.4); c.-246+784C>G (NM_024960.6).
Identifiers: ClinVar variation 737006 (VCV000737006.15), dbSNP rs746054643, ClinGen allele CA9750610.

ClinVar aggregate classification (germline): Conflicting classifications of pathogenicity. Review status: criteria provided, conflicting classifications (1 of 4 stars). 4 submissions from 4 submitters: Uncertain significance (1); Likely benign (3). Last evaluated 2026-06-01.

Conditions:
Pigmentary pallidal degeneration (NBIA1). Also called: Pantothenate Kinase-Associated Neurodegeneration; Neuroaxonal dystrophy, late infantile; Hallervorden-Spatz disease; PKAN NEUROAXONAL DYSTROPHY, JUVENILE-ONSET; Neurodegeneration with brain iron accumulation 1; HARP SYNDROME. Identifiers: Orphanet 157850, MedGen C0018523, MONDO:0009319, OMIM 234200.

Allele frequency attached by ClinVar (database versions not stated): gnomAD 0.00001 and 0.00005; TOPMed 0.00001; gnomAD exomes 0.00026; ExAC 0.00037.
gnomAD v4.1: 175 of 1,594,786 alleles (0.011%); highest among the groups gnomAD compares: Middle Eastern, 0.22%; 2 homozygotes.

Submissions (4):

CeGaT Center for Human Genetics Tuebingen
Classification: Likely benign. Last evaluated: 2026-06-01. Review status: criteria provided, single submitter. Criteria: CeGaT Center For Human Genetics Tuebingen Variant Classification Criteria Version 2. Collection method: clinical testing. Allele origin: germline. Affected: yes. Observed: 1 variant allele.
Comment: PANK2: BP4, BP7

Labcorp Genetics (formerly Invitae), Labcorp
Classification: Likely benign for Pigmentary pallidal degeneration. Last evaluated: 2026-01-14. Review status: criteria provided, single submitter. Criteria: Invitae Variant Classification Sherloc (09022015). Collection method: clinical testing. Allele origin: germline.

Blueprint Genetics
Classification: Likely benign. Last evaluated: 2024-09-10. Review status: criteria provided, single submitter. Criteria: ACMG Guidelines, 2015. Collection method: clinical testing. Allele origin: germline.

Illumina Laboratory Services, Illumina
Classification: Uncertain significance for Pigmentary pallidal degeneration. Last evaluated: 2018-01-13. Review status: criteria provided, single submitter. Criteria: ICSL Variant Classification Criteria 13 December 2019. Collection method: clinical testing. Allele origin: germline.